The following is an entry in ClinVar:

ClinVar aggregate classification (germline): Uncertain significance (1 of 4 stars; one submission).

Conditions:
Catecholaminergic polymorphic ventricular tachycardia 1. Also called: VENTRICULAR TACHYCARDIA, CATECHOLAMINERGIC POLYMORPHIC, 1, WITH OR WITHOUT ATRIAL DYSFUNCTION AND/OR DILATED CARDIOMYOPATHY; VENTRICULAR TACHYCARDIA, STRESS-INDUCED POLYMORPHIC 1; RYR2-Related Catecholaminergic Polymorphic Ventricular Tachycardia. Identifiers: Orphanet 3286, MedGen C1631597, MONDO:0011484, OMIM 604772.

Submission:

Labcorp Genetics (formerly Invitae), Labcorp
Classification: Uncertain significance for Catecholaminergic polymorphic ventricular tachycardia 1. Last evaluated: 2022-04-11. Review status: criteria provided, single submitter. Criteria: Invitae Variant Classification Sherloc (09022015). Collection method: clinical testing. Allele origin: germline.
Comment: In summary, the available evidence is currently insufficient to determine the role of this variant in disease. Therefore, it has been classified as a Variant of Uncertain Significance. Advanced modeling of protein sequence and biophysical properties (such as structural, functional, and spatial information, amino acid conservation, physicochemical variation, residue mobility, and thermodynamic stability) performed at Invitae indicates that this missense variant is expected to disrupt CASQ2 protein function. This variant has not been reported in the literature in individuals affected with CASQ2-related conditions. This variant is not present in population databases (gnomAD no frequency). This sequence change replaces leucine, which is neutral and non-polar, with histidine, which is basic and polar, at codon 102 of the CASQ2 protein (p.Leu102His).

NM_001232.4(CASQ2):c.305T>A (p.Leu102His)

Gene: CASQ2 (calsequestrin 2; minus strand). Cytogenetic location: 1p13.1.
Variant type: single nucleotide variant.
Coding change: c.305T>A on transcript NM_001232.4 (MANE Select); coding-DNA position 305, T replaced by A.
Protein change: p.Leu102His; replaces leucine 102 with histidine.
Molecular consequence: missense variant.
Genome position (GRCh38, 1-based): chr1:115,744,842, A>T on the plus strand (T>A on the coding strand, the complement: CASQ2 is on the minus strand). VCF-style: chr1-115744842-A-T. GRCh37 (hg19) VCF-style: chr1-116287463-A-T.
Other names: short protein forms L102H.
Identifiers: ClinVar variation 2124849 (VCV002124849.4), dbSNP rs2526031822, ClinGen allele CA341765276.